The following is an entry in ClinVar:

NM_000379.4(XDH):c.2800A>T (p.Thr934Ser)

Gene: XDH (xanthine dehydrogenase; minus strand). Cytogenetic location: 2p23.1.
Variant type: single nucleotide variant.
Coding change: c.2800A>T on transcript NM_000379.4 (MANE Select); coding-DNA position 2800, A replaced by T.
Protein change: p.Thr934Ser; replaces threonine 934 with serine.
Molecular consequence: missense variant.
Genome position (GRCh38, 1-based): chr2:31,350,055, T>A on the plus strand (A>T on the coding strand, the complement: XDH is on the minus strand). VCF-style: chr2-31350055-T-A. GRCh37 (hg19) VCF-style: chr2-31572921-T-A.
Other names: short protein forms T934S.
Identifiers: ClinVar variation 3623947 (VCV003623947.2).

ClinVar aggregate classification (germline): Uncertain significance (1 of 4 stars; one submission).

Conditions:
Xanthinuria type II. Also called: Xanthine dehydrogenase and aldehyde oxidase combined deficiency of; XDH and AOX dual deficiency. Identifiers: Orphanet 3467, Orphanet 93602, MedGen C1863688, MONDO:0011346, OMIM 603592.

gnomAD v4.1: 2 of 1,614,172 alleles (0.00012%); highest among the groups gnomAD compares: Non-Finnish European, 0.00017%; no homozygotes.

Submission:

Labcorp Genetics (formerly Invitae), Labcorp
Classification: Uncertain significance for Xanthinuria type II. Last evaluated: 2024-06-26. Review status: criteria provided, single submitter. Criteria: Invitae Variant Classification Sherloc (09022015). Collection method: clinical testing. Allele origin: germline.
Comment: This sequence change replaces threonine, which is neutral and polar, with serine, which is neutral and polar, at codon 934 of the XDH protein (p.Thr934Ser). This variant is present in population databases (no rsID available, gnomAD 0.0009%). This variant has not been reported in the literature in individuals affected with XDH-related conditions. An algorithm developed to predict the effect of missense changes on protein structure and function (PolyPhen-2) suggests that this variant is likely to be tolerated. In summary, the available evidence is currently insufficient to determine the role of this variant in disease. Therefore, it has been classified as a Variant of Uncertain Significance.